The following is an entry in ClinVar:

ClinVar aggregate classification (germline): Uncertain significance (1 of 4 stars; one submission).

Conditions:
Encephalopathy, acute, infection-induced (herpes-specific), susceptibility to, 6. Also called: Herpes simplex encephalitis, susceptibility to, 4. Identifiers: Orphanet 1930, MedGen C3553869, MONDO:0013921, OMIM 614850.

Submission:

Labcorp Genetics (formerly Invitae), Labcorp
Classification: Uncertain significance for Encephalopathy, acute, infection-induced (herpes-specific), susceptibility to, 6. Last evaluated: 2024-06-05. Review status: criteria provided, single submitter. Criteria: Invitae Variant Classification Sherloc (09022015). Collection method: clinical testing. Allele origin: germline.
Comment: This sequence change replaces tryptophan, which is neutral and slightly polar, with serine, which is neutral and polar, at codon 636 of the TICAM1 protein (p.Trp636Ser). This variant is not present in population databases (gnomAD no frequency). This variant has not been reported in the literature in individuals affected with TICAM1-related conditions. An algorithm developed to predict the effect of missense changes on protein structure and function (PolyPhen-2) suggests that this variant is likely to be disruptive. In summary, the available evidence is currently insufficient to determine the role of this variant in disease. Therefore, it has been classified as a Variant of Uncertain Significance.

NM_182919.4(TICAM1):c.1907G>C (p.Trp636Ser)

Gene: TICAM1 (TIR domain containing adaptor molecule 1; minus strand). Cytogenetic location: 19p13.3.
Variant type: single nucleotide variant.
Coding change: c.1907G>C on transcript NM_182919.4 (MANE Select); coding-DNA position 1907, G replaced by C.
Protein change: p.Trp636Ser; replaces tryptophan 636 with serine.
Molecular consequence: missense variant.
Genome position (GRCh38, 1-based): chr19:4,816,471, C>G on the plus strand (G>C on the coding strand, the complement: TICAM1 is on the minus strand). VCF-style: chr19-4816471-C-G. GRCh37 (hg19) VCF-style: chr19-4816483-C-G.
Other names: c.1865G>C, p.Trp622Ser (NM_001385678.1); c.1772G>C, p.Trp591Ser (NM_001385679.1); c.1265G>C, p.Trp422Ser (NM_001385680.1); short protein forms W636S, W422S, W622S, W591S.
Identifiers: ClinVar variation 3655663 (VCV003655663.2).
Genomic context (GRCh38, chr19:4,816,471, plus strand): 5'-GGCAGTGACTGTGGAAAGGCTGCTGGCTGTGGGGAGGGCGGTGGGGGGGTGCCAGCCTGC[C>G]ATGCGTGCAGGGGTGGCGGCTGCGGGCACCCCGGCCAAGTGGGAAAGGGTGGCGGGGCTC-3'
Protein context (NP_891549.1, residues 626-646): GCPQPPPLHA[Trp636Ser]QAGTPPPPSP